The following is an entry in ClinVar:

ClinVar aggregate classification (germline): Uncertain significance. Review status: criteria provided, multiple submitters, no conflicts (2 of 4 stars). 3 submissions from 3 submitters: Uncertain significance (3). Last evaluated 2025-09-04.

Conditions:
Inborn genetic diseases. Identifiers: MedGen C0950123, MeSH D030342.

Allele frequency attached by ClinVar (database versions not stated): ExAC 0.00009; gnomAD exomes 0.00009 and 0.00031; TOPMed 0.00015; gnomAD 0.00016 and 0.00017.

Submissions (3):

Ambry Genetics
Classification: Uncertain significance for Inborn genetic diseases. Last evaluated: 2025-09-04. Review status: criteria provided, single submitter. Criteria: Ambry Variant Classification Scheme 2023. Collection method: clinical testing. Allele origin: germline.

Labcorp Genetics (formerly Invitae), Labcorp
Classification: Uncertain significance. Last evaluated: 2022-02-05. Review status: criteria provided, single submitter. Criteria: Invitae Variant Classification Sherloc (09022015). Collection method: clinical testing. Allele origin: germline.
Comment: This sequence change replaces proline, which is neutral and non-polar, with serine, which is neutral and polar, at codon 1091 of the INPPL1 protein (p.Pro1091Ser). This variant is present in population databases (rs554631183, gnomAD 0.02%). This variant has not been reported in the literature in individuals affected with INPPL1-related conditions. ClinVar contains an entry for this variant (Variation ID: 1025924). Algorithms developed to predict the effect of missense changes on protein structure and function are either unavailable or do not agree on the potential impact of this missense change (SIFT: "Tolerated"; PolyPhen-2: "Possibly Damaging"; Align-GVGD: "Class C0"). In summary, the available evidence is currently insufficient to determine the role of this variant in disease. Therefore, it has been classified as a Variant of Uncertain Significance.

GeneDx
Classification: Uncertain significance. Last evaluated: 2022-02-02. Review status: criteria provided, single submitter. Criteria: GeneDx Variant Classification Process June 2021. Collection method: clinical testing. Allele origin: germline. Affected: yes.
Comment: In silico analysis supports that this missense variant has a deleterious effect on protein structure/function; Has not been previously published as pathogenic or benign to our knowledge

NM_001567.4(INPPL1):c.3271C>T (p.Pro1091Ser)

Gene: INPPL1 (inositol polyphosphate phosphatase like 1; plus strand). Cytogenetic location: 11q13.4.
Variant type: single nucleotide variant.
Coding change: c.3271C>T on transcript NM_001567.4 (MANE Select); coding-DNA position 3271, C replaced by T.
Protein change: p.Pro1091Ser; replaces proline 1091 with serine.
Molecular consequence: missense variant.
Genome position (GRCh38, 1-based): chr11:72,237,515, C>T. VCF-style: chr11-72237515-C-T. GRCh37 (hg19) VCF-style: chr11-71948559-C-T.
Other names: short protein forms P1091S.
Identifiers: ClinVar variation 1025924 (VCV001025924.10), dbSNP rs554631183, ClinGen allele CA6170598.